The following is an entry in ClinVar:

ClinVar aggregate classification (germline): Benign/Likely benign. Review status: criteria provided, multiple submitters, no conflicts (2 of 4 stars). 4 submissions from 4 submitters: Benign (1); Likely benign (3). Last evaluated 2026-01-28.

Conditions:
Transcobalamin II deficiency (TCN2D). Also called: TC II DEFICIENCY; TCN2 DEFICIENCY; Transcolabamin II deficiency. Identifiers: Orphanet 859, MedGen C0342701, MONDO:0010149, OMIM 275350.

Allele frequency attached by ClinVar (database versions not stated): gnomAD exomes 0.00095 and 0.00053; ExAC 0.00105; 1000 Genomes Project 0.00160; 1000 Genomes Project 30x 0.00187; ESP Exome Variant Server 0.00023; gnomAD 0.00024 and 0.00041; TOPMed 0.00042.
gnomAD v4.1: 855 of 1,614,178 alleles (0.053%); highest among the groups gnomAD compares: South Asian, 0.52%; 7 homozygotes.

Submissions (4):

Labcorp Genetics (formerly Invitae), Labcorp
Classification: Benign for Transcobalamin II deficiency. Last evaluated: 2026-01-28. Review status: criteria provided, single submitter. Criteria: Invitae Variant Classification Sherloc (09022015). Collection method: clinical testing. Allele origin: germline.

Blueprint Genetics
Classification: Likely benign. Last evaluated: 2024-10-30. Review status: criteria provided, single submitter. Criteria: ACMG Guidelines, 2015. Collection method: clinical testing. Allele origin: germline.

Illumina Laboratory Services, Illumina
Classification: Likely benign for Transcobalamin II deficiency. Last evaluated: 2018-01-12. Review status: criteria provided, single submitter. Criteria: ICSL Variant Classification Criteria 13 December 2019. Collection method: clinical testing. Allele origin: germline.
Comment: This variant was observed in the ICSL laboratory as part of a predisposition screen in an ostensibly healthy population. It had not been previously curated by ICSL or reported in the Human Gene Mutation Database (HGMD: prior to June 1st, 2018), and was therefore a candidate for classification through an automated scoring system. Utilizing variant allele frequency, disease prevalence and penetrance estimates, and inheritance mode, an automated score was calculated to assess if this variant is too frequent to cause the disease. Based on the score and internal cut-off values, a variant classified as likely benign is not then subjected to further curation. The score for this variant resulted in a classification of likely benign for this disease.

Breakthrough Genomics
Classification: Likely benign. Review status: criteria provided, single submitter. Criteria: ACMG Guidelines, 2015. Collection method: not provided. Allele origin: germline. Inheritance: Autosomal recessive inheritance. Affected: yes.

NM_000355.4(TCN2):c.501C>T (p.His167=)

Gene: TCN2 (transcobalamin 2; plus strand). Cytogenetic location: 22q12.2.
Variant type: single nucleotide variant.
Coding change: c.501C>T on transcript NM_000355.4 (MANE Select); coding-DNA position 501, C replaced by T.
Protein change: p.His167=; no amino-acid change (histidine 167 retained).
Molecular consequence: synonymous variant.
Genome position (GRCh38, 1-based): chr22:30,614,422, C>T. VCF-style: chr22-30614422-C-T. GRCh37 (hg19) VCF-style: chr22-31010409-C-T.
Other names: c.420C>T, p.His140= (NM_001184726.2).
Identifiers: ClinVar variation 341196 (VCV000341196.17), dbSNP rs144652799, ClinGen allele CA10184682.